The following is an entry in ClinVar:

ClinVar aggregate classification (germline): Pathogenic/Likely pathogenic. Review status: criteria provided, multiple submitters, no conflicts (2 of 4 stars). 7 submissions from 7 submitters: Pathogenic (4); Likely pathogenic (2). 1 of the submissions does not count toward it. Last evaluated 2026-02-13.

Conditions:
HINT1-related disorders.
Autosomal recessive axonal neuropathy with neuromyotonia (NMAN). Also called: Neuromyotonia and axonal neuropathy, autosomal recessive; MYOKYMIA, MYOTONIA, AND MUSCLE WASTING; Gamstorp-Wohlfart syndrome. Identifiers: Orphanet 324442, MedGen C5700127, MONDO:0007646, OMIM 137200.

Allele frequency attached by ClinVar (database versions not stated): ExAC 0.00002; gnomAD 0.00002; gnomAD exomes 0.00002; TOPMed 0.00002; ESP Exome Variant Server 0.00008.
gnomAD v4.1: 34 of 1,613,272 alleles (0.0021%); highest among the groups gnomAD compares: Non-Finnish European, 0.0025%; no homozygotes.

Submissions (7):

OLLIN Analises Genomicas, OLLIN
Classification: Likely pathogenic for Autosomal recessive axonal neuropathy with neuromyotonia. Last evaluated: 2026-02-13. Review status: criteria provided, single submitter. Criteria: ACMG Guidelines 2015 PMID 25741868. Collection method: clinical testing. Allele origin: germline. Observed: 1 variant allele.
Comment: PS3_M, PM2_P, PM3_S, PP3_M

Women's Health and Genetics/Laboratory Corporation of America, LabCorp
Classification: Pathogenic for Autosomal recessive axonal neuropathy with neuromyotonia. Last evaluated: 2025-11-20. Review status: criteria provided, single submitter. Criteria: LabCorp Variant Classification Summary - May 2015. Collection method: clinical testing. Allele origin: germline.
Comment: Variant summary: HINT1 c.334C>A (p.His112Asn) results in a conservative amino acid change in the encoded protein sequence. Algorithms developed to predict the effect of missense changes on protein structure and function are either unavailable or do not agree on the potential impact of this missense change. The variant allele was found at a frequency of 1.6e-05 in 251440 control chromosomes (gnomAD). c.334C>A has been observed in multiple individuals affected with hereditary motor and sensory neuropathy or hereditary motor neuropathy (Zimo_2012). These data indicate that the variant is very likely to be associated with disease. At least two publications report experimental evidence evaluating an impact on protein function and this variant affected the HINT1 protein function (Zimo_2012, Corts-Montero_2019). The following publications have been ascertained in the context of this evaluation (PMID: 31088288, 22961002). ClinVar contains an entry for this variant (Variation ID: 37315). Based on the evidence outlined above, the variant was classified as pathogenic.

Labcorp Genetics (formerly Invitae), Labcorp
Classification: Pathogenic for Autosomal recessive axonal neuropathy with neuromyotonia. Last evaluated: 2025-01-27. Review status: criteria provided, single submitter. Criteria: Invitae Variant Classification Sherloc (09022015). Collection method: clinical testing. Allele origin: germline.
Comment: This sequence change replaces histidine, which is basic and polar, with asparagine, which is neutral and polar, at codon 112 of the HINT1 protein (p.His112Asn). This variant is present in population databases (rs373849532, gnomAD 0.004%). This missense change has been observed in individuals with Charcot-Marie-Tooth disease (PMID: 22961002). ClinVar contains an entry for this variant (Variation ID: 37315). An algorithm developed to predict the effect of missense changes on protein structure and function (PolyPhen-2) suggests that this variant is likely to be disruptive. Experimental studies have shown that this missense change affects HINT1 function (PMID: 16835243, 22961002, 31088288). For these reasons, this variant has been classified as Pathogenic.

Institute of Human Genetics, University of Leipzig Medical Center
Classification: Likely pathogenic for Autosomal recessive axonal neuropathy with neuromyotonia. Last evaluated: 2024-08-02. Review status: criteria provided, single submitter. Criteria: ACMG Guidelines, 2015. Collection method: clinical testing. Allele origin: unknown. Inheritance: Autosomal recessive inheritance. Affected: yes.
Comment: Criteria applied: PM3_STR,PS4_SUP,PM2_SUP,PP3

Laboratory Cellgenetics, GMDL Cellgenetics
Classification: Pathogenic for Autosomal recessive axonal neuropathy with neuromyotonia. Last evaluated: 2024-06-24. Review status: criteria provided, single submitter. Criteria: ACMG Guidelines, 2015. Collection method: clinical testing. Allele origin: biparental. Inheritance: Autosomal recessive inheritance. Affected: yes. Observed: 1 variant allele, 1 homozygote.
Comment: PS3, PM1, Pm2, PM3_Strong, PP3

Blueprint Genetics
Classification: Pathogenic for HINT1-related disorders. Last evaluated: 2024-06-06. Review status: criteria provided, single submitter. Criteria: ACMG Guidelines, 2015. Collection method: clinical testing. Allele origin: germline. Affected: yes. Observed: 5 variant alleles.

OMIM
Classification: Pathogenic for NEUROMYOTONIA AND AXONAL NEUROPATHY, AUTOSOMAL RECESSIVE. Last evaluated: 2012-10-01. Review status: no assertion criteria provided. Collection method: literature only. Allele origin: germline. Not counted in ClinVar's aggregate classification.

Literature cited by the submitters: PubMed 22961002 (cited by 3 submitters); PubMed 31088288 (cited by Women's Health and Genetics/Laboratory Corporation of America, LabCorp and Labcorp Genetics (formerly Invitae), Labcorp); PubMed 16835243 (cited by Labcorp Genetics (formerly Invitae), Labcorp).

NM_005340.7(HINT1):c.334C>A (p.His112Asn)

Gene: HINT1 (histidine triad nucleotide binding protein 1; minus strand). Cytogenetic location: 5q23.3.
Variant type: single nucleotide variant.
Coding change: c.334C>A on transcript NM_005340.7 (MANE Select); coding-DNA position 334, C replaced by A.
Protein change: p.His112Asn; replaces histidine 112 with asparagine.
Molecular consequence: missense variant. On other transcripts: non-coding transcript variant (5).
Genome position (GRCh38, 1-based): chr5:131,159,494, G>T on the plus strand (C>A on the coding strand, the complement: HINT1 is on the minus strand). VCF-style: chr5-131159494-G-T. GRCh37 (hg19) VCF-style: chr5-130495187-G-T.
Other names: short protein forms H112N.
Identifiers: ClinVar variation 37315 (VCV000037315.11), dbSNP rs373849532, ClinGen allele CA130161.